The following is an entry in ClinVar:

NM_001197104.2(KMT2A):c.8424G>C (p.Glu2808Asp)

Gene: KMT2A (lysine methyltransferase 2A; plus strand). Cytogenetic location: 11q23.3.
Variant type: single nucleotide variant.
Coding change: c.8424G>C on transcript NM_001197104.2 (MANE Select); coding-DNA position 8424, G replaced by C.
Protein change: p.Glu2808Asp; replaces glutamic acid 2808 with aspartic acid.
Molecular consequence: missense variant.
Genome position (GRCh38, 1-based): chr11:118,504,316, G>C. VCF-style: chr11-118504316-G-C. GRCh37 (hg19) VCF-style: chr11-118375031-G-C.
Other names: c.8514G>C, p.Glu2838Asp (NM_001412597.1); c.8415G>C, p.Glu2805Asp (NM_005933.4); short protein forms E2838D, E2805D, E2808D.
Identifiers: ClinVar variation 3535443 (VCV003535443.3).

ClinVar aggregate classification (germline): Conflicting classifications of pathogenicity. Review status: criteria provided, conflicting classifications (1 of 4 stars). 2 submissions from 2 submitters: Uncertain significance (1); Likely benign (1). Last evaluated 2026-01-09.

Conditions:
Inborn genetic diseases. Identifiers: MedGen C0950123, MeSH D030342.

gnomAD v4.1: 6 of 1,614,054 alleles (0.00037%); highest among the groups gnomAD compares: African/African-American, 0.008%; no homozygotes.

Submissions (2):

Labcorp Genetics (formerly Invitae), Labcorp
Classification: Uncertain significance. Last evaluated: 2026-01-09. Review status: criteria provided, single submitter. Criteria: Invitae Variant Classification Sherloc (09022015). Collection method: clinical testing. Allele origin: germline.
Comment: This sequence change replaces glutamic acid, which is acidic and polar, with aspartic acid, which is acidic and polar, at codon 2808 of the KMT2A protein (p.Glu2808Asp). This variant is present in population databases (rs377289398, gnomAD 0.008%). This variant has not been reported in the literature in individuals affected with KMT2A-related conditions. ClinVar contains an entry for this variant (Variation ID: 3535443). Invitae Evidence Modeling of protein sequence and biophysical properties (such as structural, functional, and spatial information, amino acid conservation, physicochemical variation, residue mobility, and thermodynamic stability) indicates that this missense variant is not expected to disrupt KMT2A protein function with a negative predictive value of 95%. In summary, the available evidence is currently insufficient to determine the role of this variant in disease. Therefore, it has been classified as a Variant of Uncertain Significance.

Ambry Genetics
Classification: Likely benign for Inborn genetic diseases. Last evaluated: 2024-09-30. Review status: criteria provided, single submitter. Criteria: Ambry Variant Classification Scheme 2023. Collection method: clinical testing. Allele origin: germline.